The following is an entry in ClinVar:

NM_032620.4(GTPBP3):c.592-3C>T

Gene: GTPBP3 (GTP binding protein 3, mitochondrial; plus strand). Cytogenetic location: 19p13.11.
Variant type: single nucleotide variant.
Coding change: c.592-3C>T on transcript NM_032620.4 (MANE Select); 3 bases into the intron before coding-DNA position 592, C replaced by T.
Molecular consequence: intron variant.
Genome position (GRCh38, 1-based): chr19:17,338,951, C>T. VCF-style: chr19-17338951-C-T. GRCh37 (hg19) VCF-style: chr19-17449760-C-T.
Other names: c.658-3C>T (NM_001195422.1); c.592-3C>T (NM_133644.4, NM_001128855.3).
Identifiers: ClinVar variation 1504623 (VCV001504623.6), dbSNP rs775449994, ClinGen allele CA9293421.

ClinVar aggregate classification (germline): Uncertain significance (1 of 4 stars; one submission).

Allele frequency attached by ClinVar (database versions not stated): gnomAD exomes below 0.00001; ExAC 0.00001.
gnomAD v4.1: 2 of 1,592,528 alleles (0.00013%); highest among the groups gnomAD compares: South Asian, 0.0023%; no homozygotes.

Submission:

Labcorp Genetics (formerly Invitae), Labcorp
Classification: Uncertain significance. Last evaluated: 2021-01-26. Review status: criteria provided, single submitter. Criteria: Invitae Variant Classification Sherloc (09022015). Collection method: clinical testing. Allele origin: germline.
Comment: In summary, the available evidence is currently insufficient to determine the role of this variant in disease. Therefore, it has been classified as a Variant of Uncertain Significance. Nucleotide substitutions within the consensus splice site are a relatively common cause of aberrant splicing (PMID: 17576681, 9536098). Algorithms developed to predict the effect of sequence changes on RNA splicing suggest that this variant is not likely to affect RNA splicing, but this prediction has not been confirmed by published transcriptional studies. This variant has not been reported in the literature in individuals with GTPBP3-related conditions. This variant is present in population databases (rs775449994, ExAC 0.01%). This sequence change falls in intron 4 of the GTPBP3 gene. It does not directly change the encoded amino acid sequence of the GTPBP3 protein. It affects a nucleotide within the consensus splice site of the intron.

Literature cited by the submitters: PubMed 17576681; PubMed 9536098.